The following is an entry in ClinVar:

NM_002691.4(POLD1):c.190G>A (p.Gly64Arg)

Gene: POLD1 (DNA polymerase delta 1, catalytic subunit; plus strand). Cytogenetic location: 19q13.33.
Variant type: single nucleotide variant.
Coding change: c.190G>A on transcript NM_002691.4 (MANE Select); coding-DNA position 190, G replaced by A.
Protein change: p.Gly64Arg; replaces glycine 64 with arginine.
Molecular consequence: missense variant. On other transcripts: non-coding transcript variant (1).
Genome position (GRCh38, 1-based): chr19:50,399,041, G>A. VCF-style: chr19-50399041-G-A. GRCh37 (hg19) VCF-style: chr19-50902298-G-A.
Other names: c.190G>A, p.Gly64Arg (NM_001256849.1, NM_001308632.1); short protein forms G64R.
Identifiers: ClinVar variation 1347572 (VCV001347572.6), dbSNP rs2122197687, ClinGen allele CA406970341.

ClinVar aggregate classification (germline): Uncertain significance (1 of 4 stars; one submission).

Conditions:
POLD1-related polyposis and colorectal cancer syndrome (CRCS10). Also called: Colorectal cancer, susceptibility to, 10; Colorectal cancer 10; COLORECTAL CANCER, SUSCEPTIBILITY TO, ON CHROMOSOME 19q. Identifiers: Orphanet 220460, MedGen C2675481, MONDO:0012953, OMIM 612591.

Submission:

Labcorp Genetics (formerly Invitae), Labcorp
Classification: Uncertain significance for POLD1-related polyposis and colorectal cancer syndrome. Last evaluated: 2024-10-21. Review status: criteria provided, single submitter. Criteria: Invitae Variant Classification Sherloc (09022015). Collection method: clinical testing. Allele origin: germline.
Comment: This sequence change replaces glycine, which is neutral and non-polar, with arginine, which is basic and polar, at codon 64 of the POLD1 protein (p.Gly64Arg). This variant is not present in population databases (gnomAD no frequency). This variant has not been reported in the literature in individuals affected with POLD1-related conditions. ClinVar contains an entry for this variant (Variation ID: 1347572). Invitae Evidence Modeling of protein sequence and biophysical properties (such as structural, functional, and spatial information, amino acid conservation, physicochemical variation, residue mobility, and thermodynamic stability) indicates that this missense variant is not expected to disrupt POLD1 protein function with a negative predictive value of 80%. In summary, the available evidence is currently insufficient to determine the role of this variant in disease. Therefore, it has been classified as a Variant of Uncertain Significance.